The following is an entry in ClinVar:

ClinVar aggregate classification (germline): Uncertain significance (1 of 4 stars; one submission).

Conditions:
Renal cell carcinoma. Identifiers: Orphanet 217071, MedGen C0007134, MeSH D002292, MONDO:0005086, HP:0005584.

Submission:

Labcorp Genetics (formerly Invitae), Labcorp
Classification: Uncertain significance for Renal cell carcinoma. Last evaluated: 2025-12-08. Review status: criteria provided, single submitter. Criteria: Invitae Variant Classification Sherloc (09022015). Collection method: clinical testing. Allele origin: germline.
Comment: This sequence change replaces asparagine, which is neutral and polar, with isoleucine, which is neutral and non-polar, at codon 1036 of the MET protein (p.Asn1036Ile). This variant is not present in population databases (gnomAD no frequency). This variant has not been reported in the literature in individuals affected with MET-related conditions. An algorithm developed to predict the effect of missense changes on protein structure and function (PolyPhen-2) suggests that this variant is likely to be disruptive. In summary, the available evidence is currently insufficient to determine the role of this variant in disease. Therefore, it has been classified as a Variant of Uncertain Significance.

NM_000245.4(MET):c.3053A>T (p.Asn1018Ile)

Gene: MET (MET proto-oncogene, receptor tyrosine kinase; plus strand). Cytogenetic location: 7q31.2.
Variant type: single nucleotide variant.
Coding change: c.3053A>T on transcript NM_000245.4 (MANE Select); coding-DNA position 3053, A replaced by T.
Protein change: p.Asn1018Ile; replaces asparagine 1018 with isoleucine.
Molecular consequence: missense variant.
Genome position (GRCh38, 1-based): chr7:116,774,905, A>T. VCF-style: chr7-116774905-A-T. GRCh37 (hg19) VCF-style: chr7-116414959-A-T.
Other names: c.3107A>T, p.Asn1036Ile (NM_001127500.3); c.1763A>T, p.Asn588Ile (NM_001324402.2); short protein forms N1018I, N1036I, N588I.
Identifiers: ClinVar variation 4732671 (VCV004732671.1).
Genomic context (GRCh38, chr7:116,774,905, plus strand): 5'-ACTGTTGTTCTTTAATAATTTTCCTTCATCTTACAGATCAGTTTCCTAATTCATCTCAGA[A>T]CGGTTCATGCCGACAAGTGCAGTATCCTCTGACAGACATGTCCCCCATCCTAACTAGTGG-3'
Protein context (NP_000236.2, residues 1008-1028): PEDQFPNSSQ[Asn1018Ile]GSCRQVQYPL